The following is an entry in ClinVar:

ClinVar aggregate classification (germline): Uncertain significance (1 of 4 stars; one submission).

Submission:

Women's Health and Genetics/Laboratory Corporation of America, LabCorp
Classification: Uncertain significance. Last evaluated: 2020-01-13. Review status: criteria provided, single submitter. Criteria: LabCorp Variant Classification Summary - May 2015. Collection method: clinical testing. Allele origin: germline.
Comment: Variant summary: TTN c.47813_47815delATG (p.Asp15938del) results in an in-frame deletion that is predicted to remove one amino acid from the encoded protein. The variant was absent in 248302 control chromosomes. The available data on variant occurrences in the general population are insufficient to allow any conclusion about variant significance. To our knowledge, no occurrence of c.47813_47815delATG in individuals affected with Cardiomyopathy and no experimental evidence demonstrating its impact on protein function have been reported. No clinical diagnostic laboratories have submitted clinical-significance assessments for this variant to ClinVar after 2014. Based on the evidence outlined above, the variant was classified as uncertain significance.

NM_001267550.2(TTN):c.55517_55519del (p.Asp18506del)

Genes: TTN (titin; minus strand), TTN-AS1 (TTN antisense RNA 1; plus strand). Cytogenetic location: 2q31.2.
Variant type: Deletion.
Coding change: c.55517_55519del on transcript NM_001267550.2 (MANE Select); coding-DNA positions 55517 to 55519, 3 bases deleted (ATG; older notation c.55517_55519delATG).
Protein change: p.Asp18506del; deletes aspartic acid 18506.
Molecular consequence: inframe deletion.
Genome position (GRCh38, 1-based): chr2:178,601,478-178,601,480, CAT deleted on the plus strand (ATG on the coding strand, the reverse complement: TTN is on the minus strand); deleting any 3 consecutive bases within chr2:178,601,478-178,601,481 gives the same sequence; the c. name uses the placement nearest the transcript's 3' end. VCF-style (leftmost placement, unchanged base first): chr2-178601477-CCAT-C. GRCh37 (hg19) VCF-style: chr2-179466204-CCAT-C.
Other names: c.47813_47815delATG (NM_133378.4); c.50594_50596del, p.Asp16865del (NM_001256850.1); c.28322_28324del, p.Asp9441del (NM_003319.4); c.47813_47815del, p.Asp15938del (NM_133378.4); c.28697_28699del, p.Asp9566del (NM_133432.3); c.28898_28900del, p.Asp9633del (NM_133437.4); short protein forms D9441del, D16865del, D18506del, D9566del, D9633del, D15938del.
Identifiers: ClinVar variation 917558 (VCV000917558.1), dbSNP rs2053439318, ClinGen allele CA1139655672.